The following is an entry in ClinVar:

ClinVar aggregate classification (germline): Conflicting classifications of pathogenicity. Review status: criteria provided, conflicting classifications (1 of 4 stars). 3 submissions from 3 submitters: Uncertain significance (2); Likely benign (1). Last evaluated 2025-05-19.

Conditions:
Hereditary nonpolyposis colorectal neoplasms. Identifiers: MedGen C0009405, MeSH D003123.
Hereditary cancer-predisposing syndrome. Also called: Neoplastic Syndromes, Hereditary; Hereditary Cancer Syndrome; Hereditary neoplastic syndrome; Tumor predisposition. Identifiers: Orphanet 140162, MedGen C0027672, MeSH D009386, MONDO:0015356.

Allele frequency attached by ClinVar (database versions not stated): gnomAD exomes below 0.00001; ExAC 0.00001.
gnomAD v4.1: 1 of 1,614,220 alleles (0.000062%); highest among the groups gnomAD compares: East Asian, 0.0022%; no homozygotes.

Submissions (3):

Labcorp Genetics (formerly Invitae), Labcorp
Classification: Likely benign for Hereditary nonpolyposis colorectal neoplasms. Last evaluated: 2025-05-19. Review status: criteria provided, single submitter. Criteria: Invitae Variant Classification Sherloc (09022015). Collection method: clinical testing. Allele origin: germline.

Ambry Genetics
Classification: Uncertain significance for Hereditary cancer-predisposing syndrome. Last evaluated: 2025-02-10. Review status: criteria provided, single submitter. Criteria: Ambry Variant Classification Scheme 2023. Collection method: clinical testing. Allele origin: germline.
Comment: The p.N897S variant (also known as c.2690A>G), located in coding exon 4 of the MSH6 gene, results from an A to G substitution at nucleotide position 2690. The asparagine at codon 897 is replaced by serine, an amino acid with highly similar properties. This amino acid position is not well conserved in available vertebrate species. In addition, this alteration is predicted to be tolerated by in silico analysis. Based on the available evidence, the clinical significance of this variant remains unclear.

Color Diagnostics, LLC DBA Color Health
Classification: Uncertain significance for Hereditary cancer-predisposing syndrome. Last evaluated: 2023-07-10. Review status: criteria provided, single submitter. Criteria: ACMG Guidelines, 2015. Collection method: clinical testing. Allele origin: germline.
Comment: This missense variant replaces asparagine with serine at codon 897 of the MSH6 protein. Computational prediction suggests that this variant may not impact protein structure and function (internally defined REVEL score threshold <= 0.5, PMID: 27666373). To our knowledge, functional studies have not been reported for this variant. This variant has not been reported in individuals affected with MSH6-related disorders in the literature. This variant has been identified in 2/282018 chromosomes in the general population by the Genome Aggregation Database (gnomAD). The available evidence is insufficient to determine the role of this variant in disease conclusively. Therefore, this variant is classified as a Variant of Uncertain Significance.

NM_000179.3(MSH6):c.2690A>G (p.Asn897Ser)

Gene: MSH6 (mutS homolog 6; plus strand). Cytogenetic location: 2p16.3.
Variant type: single nucleotide variant.
Coding change: c.2690A>G on transcript NM_000179.3 (MANE Select); coding-DNA position 2690, A replaced by G.
Protein change: p.Asn897Ser; replaces asparagine 897 with serine.
Molecular consequence: missense variant.
Genome position (GRCh38, 1-based): chr2:47,800,673, A>G. VCF-style: chr2-47800673-A-G. GRCh37 (hg19) VCF-style: chr2-48027812-A-G.
Other names: c.2300A>G, p.Asn767Ser (NM_001281492.2); c.1784A>G, p.Asn595Ser (NM_001281493.2, NM_001281494.2); c.2690A>G (NM_000179.2); short protein forms N595S, N767S, N897S.
Identifiers: ClinVar variation 1058485 (VCV001058485.10), dbSNP rs755215367, ClinGen allele CA069444.